The following is an entry in ClinVar:

NM_018979.4(WNK1):c.511C>G (p.Leu171Val)

Gene: WNK1 (WNK lysine deficient protein kinase 1; plus strand). Cytogenetic location: 12p13.33.
Variant type: single nucleotide variant.
Coding change: c.511C>G on transcript NM_018979.4 (MANE Select); coding-DNA position 511, C replaced by G.
Protein change: p.Leu171Val; replaces leucine 171 with valine.
Molecular consequence: missense variant.
Genome position (GRCh38, 1-based): chr12:754,076, C>G. VCF-style: chr12-754076-C-G. GRCh37 (hg19) VCF-style: chr12-863242-C-G.
Other names: c.511C>G, p.Leu171Val (NM_001184985.2, NM_014823.3, NM_213655.5); short protein forms L171V.
Identifiers: ClinVar variation 950909 (VCV000950909.9), dbSNP rs201447798, ClinGen allele CA383306987.
Genomic context (GRCh38, chr12:754,076, plus strand): 5'-CCTGCCCCCTCGACTGTCCCCAGCAGTACCAGCAAAGACCGCCCAGTGTCCCAGCCTAGC[C>G]TTGTGGGGAGCAAAGAGGAGCCGCCGCCGGCGAGAAGTGGCAGCGGCGGCGGCAGCGCCA-3'
Protein context (NP_061852.3, residues 161-181): SKDRPVSQPS[Leu171Val]VGSKEEPPPA

ClinVar aggregate classification (germline): Uncertain significance (1 of 4 stars; one submission).

Conditions:
Neuropathy, hereditary sensory and autonomic, type 2A (HSAN2A). Also called: ACROOSTEOLYSIS, GIACCAI TYPE; ACROOSTEOLYSIS, NEUROGENIC; WNK1-Related HSAN2 (HSAN2A); HSAN IIA; MORVAN DISEASE; NEUROPATHY, CONGENITAL SENSORY. Identifiers: Orphanet 970, MedGen C2752089, MONDO:0024309, OMIM 201300.
Pseudohypoaldosteronism type 2C (PHA2C). Also called: Pseudohypoaldosteronism Type IIC. Identifiers: Orphanet 757, Orphanet 88940, MedGen C1840391, MONDO:0013778, OMIM 614492.

Submission:

Labcorp Genetics (formerly Invitae), Labcorp
Classification: Uncertain significance for Neuropathy, hereditary sensory and autonomic, type 2A; Pseudohypoaldosteronism type 2C. Last evaluated: 2020-10-30. Review status: criteria provided, single submitter. Criteria: Invitae Variant Classification Sherloc (09022015). Collection method: clinical testing. Allele origin: germline.
Comment: This variant has not been reported in the literature in individuals with WNK1-related conditions. This variant is not present in population databases (ExAC no frequency). This sequence change replaces leucine with valine at codon 171 of the WNK1 protein (p.Leu171Val). The leucine residue is moderately conserved and there is a small physicochemical difference between leucine and valine. Algorithms developed to predict the effect of missense changes on protein structure and function are either unavailable or do not agree on the potential impact of this missense change (SIFT: "Tolerated"; PolyPhen-2: "Not Available"; Align-GVGD: "Class C0"). In summary, the available evidence is currently insufficient to determine the role of this variant in disease. Therefore, it has been classified as a Variant of Uncertain Significance.